The following is an entry in ClinVar:

ClinVar aggregate classification (germline): Uncertain significance. Review status: criteria provided, multiple submitters, no conflicts (2 of 4 stars). 4 submissions from 4 submitters: Uncertain significance (4). Last evaluated 2026-08-26.

Conditions:
PLEC-related disorder. Also called: PLEC-related disorders; PLEC-related condition.
Inborn genetic diseases. Identifiers: MedGen C0950123, MeSH D030342.
Epidermolysis bullosa simplex, Ogna type (EBS5A). Also called: Pidermolysis bullosa simplex 5A, Ogna type; EPIDERMOLYSIS BULLOSA SIMPLEX 5A, OGNA TYPE. Identifiers: Orphanet 79401, MedGen C0432317, MONDO:0007555, OMIM 131950.
Epidermolysis bullosa simplex 5B, with muscular dystrophy (EBS5B). Also called: Epidermolysis bullosa simplex with muscular dystrophy; EPIDERMOLYSIS BULLOSA SIMPLEX AND LIMB-GIRDLE MUSCULAR DYSTROPHY. Identifiers: Orphanet 257, MedGen C2931072, MONDO:0009181, OMIM 226670.
Epidermolysis bullosa simplex with nail dystrophy (EBS5D). Identifiers: MedGen C4225309, MONDO:0014661, OMIM 616487.
Autosomal recessive limb-girdle muscular dystrophy type 2Q (LGMDR17). Also called: MUSCULAR DYSTROPHY, LIMB-GIRDLE, AUTOSOMAL RECESSIVE 17. Identifiers: Orphanet 254361, MedGen C3150989, MONDO:0013390, OMIM 613723.
Epidermolysis bullosa simplex 5C, with pyloric atresia (EBS5C). Also called: PLEC-Related Epidermolysis Bullosa with Pyloric Atresia; Epidermolysis bullosa simplex with pyloric atresia; PLEC1-Related Epidermolysis Bullosa with Pyloric Atresia. Identifiers: Orphanet 158684, MedGen C2677349, MONDO:0012807, OMIM 612138.

Allele frequency attached by ClinVar (database versions not stated): gnomAD exomes 0.00002; ExAC 0.00003; gnomAD 0.00006; TOPMed 0.00008; ESP Exome Variant Server 0.00016.
gnomAD v4.1: 42 of 1,612,132 alleles (0.0026%); highest among the groups gnomAD compares: East Asian, 0.0089%; no homozygotes.

Submissions (4):

PreventionGenetics, part of Exact Sciences
Classification: Uncertain significance for PLEC-related condition. Last evaluated: 2026-08-26. Review status: criteria provided, single submitter. Criteria: ACMG Guidelines, 2015. Collection method: clinical testing. Allele origin: germline.
Comment: The PLEC c.8320C>T variant is predicted to result in the amino acid substitution p.Arg2774Trp. To our knowledge, this variant has not been reported in the literature. This variant is reported in 0.010% of alleles in individuals of East Asian descent in gnomAD. At this time, the clinical significance of this variant is uncertain due to the absence of conclusive functional and genetic evidence.

Ambry Genetics
Classification: Uncertain significance for Inborn genetic diseases. Last evaluated: 2024-10-16. Review status: criteria provided, single submitter. Criteria: Ambry Variant Classification Scheme 2023. Collection method: clinical testing. Allele origin: germline.

Labcorp Genetics (formerly Invitae), Labcorp
Classification: Uncertain significance for Autosomal recessive limb-girdle muscular dystrophy type 2Q; Epidermolysis bullosa simplex, Ogna type; Epidermolysis bullosa simplex with nail dystrophy; Epidermolysis bullosa simplex 5C, with pyloric atresia; Epidermolysis bullosa simplex 5B, with muscular dystrophy. Last evaluated: 2022-09-24. Review status: criteria provided, single submitter. Criteria: Invitae Variant Classification Sherloc (09022015). Collection method: clinical testing. Allele origin: germline.
Comment: This variant has not been reported in the literature in individuals affected with PLEC-related conditions. This variant is present in population databases (rs375454561, gnomAD 0.01%). This sequence change replaces arginine, which is basic and polar, with tryptophan, which is neutral and slightly polar, at codon 2774 of the PLEC protein (p.Arg2774Trp). In summary, the available evidence is currently insufficient to determine the role of this variant in disease. Therefore, it has been classified as a Variant of Uncertain Significance. Algorithms developed to predict the effect of missense changes on protein structure and function are either unavailable or do not agree on the potential impact of this missense change (SIFT: "Deleterious"; PolyPhen-2: "Probably Damaging"; Align-GVGD: "Class C0"). ClinVar contains an entry for this variant (Variation ID: 964434).

GeneDx
Classification: Uncertain significance. Last evaluated: 2019-08-12. Review status: criteria provided, single submitter. Criteria: GeneDx Variant Classification Process June 2021. Collection method: clinical testing. Allele origin: germline. Affected: yes.
Comment: Has not been previously published as pathogenic or benign to our knowledge; In silico analysis, which includes protein predictors and evolutionary conservation, supports a deleterious effect; Missense variant in a gene in which most reported pathogenic variants are truncating/loss-of-function

NM_201384.3(PLEC):c.8239C>T (p.Arg2747Trp)

Gene: PLEC (plectin; minus strand). Cytogenetic location: 8q24.3.
Variant type: single nucleotide variant.
Coding change: c.8239C>T on transcript NM_201384.3 (MANE Select); coding-DNA position 8239, C replaced by T.
Protein change: p.Arg2747Trp; replaces arginine 2747 with tryptophan.
Molecular consequence: missense variant.
Genome position (GRCh38, 1-based): chr8:143,921,582, G>A on the plus strand (C>T on the coding strand, the complement: PLEC is on the minus strand). VCF-style: chr8-143921582-G-A. GRCh37 (hg19) VCF-style: chr8-144995750-G-A.
Other names: c.8320C>T, p.Arg2774Trp (NM_000445.5); c.8197C>T, p.Arg2733Trp (NM_201378.4); c.8173C>T, p.Arg2725Trp (NM_201379.3); c.8650C>T, p.Arg2884Trp (NM_201380.4); c.8143C>T, p.Arg2715Trp (NM_201381.3); c.8239C>T, p.Arg2747Trp (NM_201382.4); c.8251C>T, p.Arg2751Trp (NM_201383.3); short protein forms R2715W, R2747W, R2884W, R2725W, R2733W, R2751W, R2774W.
Identifiers: ClinVar variation 964434 (VCV000964434.10), dbSNP rs375454561, ClinGen allele CA4925385.
Genomic context (GRCh38, chr8:143,921,582, plus strand): 5'-GCTTGTGGTGCAGCTCGGGGCCCACCACACCCTCCTTCACAGCCTCGTTGACGGTCAGCC[G>A]CCGGTTCCGCACAGGGTCCAGCAGGAAGCCTGAGGCCGCCTGCGCCTCCAGCAGGATGAG-3'
Protein context (NP_958786.1, residues 2737-2757): GFLLDPVRNR[Arg2747Trp]LTVNEAVKEG